The following is an entry in ClinVar:

NM_002291.3(LAMB1):c.5024T>C (p.Val1675Ala)

Gene: LAMB1 (laminin subunit beta 1; minus strand). Cytogenetic location: 7q31.1.
Variant type: single nucleotide variant.
Coding change: c.5024T>C on transcript NM_002291.3 (MANE Select); coding-DNA position 5024, T replaced by C.
Protein change: p.Val1675Ala; replaces valine 1675 with alanine.
Molecular consequence: missense variant.
Genome position (GRCh38, 1-based): chr7:107,926,223, A>G on the plus strand (T>C on the coding strand, the complement: LAMB1 is on the minus strand). VCF-style: chr7-107926223-A-G. GRCh37 (hg19) VCF-style: chr7-107566668-A-G.
Other names: short protein forms V1675A.
Identifiers: ClinVar variation 4852362 (VCV004852362.1).

ClinVar aggregate classification (germline): Uncertain significance (1 of 4 stars; one submission).

Conditions:
Cobblestone lissencephaly without muscular or ocular involvement. Also called: Lissencephaly 5; LEUKOENCEPHALOPATHY WITH VARIABLE CORTICAL BRAIN MALFORMATIONS AND/OR HYDROCEPHALUS. Identifiers: Orphanet 352682, MedGen C3554657, MONDO:0014077, OMIM 615191.

Submission:

MVZ Medizinische Genetik Mainz
Classification: Uncertain significance for Cobblestone lissencephaly without muscular or ocular involvement. Last evaluated: 2026-04-30. Review status: criteria provided, single submitter. Criteria: UK Practice Guidelines For Variant Classification V4 01 2020. Collection method: clinical testing. Allele origin: germline. Inheritance: Autosomal recessive inheritance. Affected: yes. Observed: 1 variant allele.
Comment: ACMG Criteria: PM2_SUP,BP4_SUP; Compound Heterozygote